The following is an entry in ClinVar:

ClinVar aggregate classification (germline): Uncertain significance (1 of 4 stars; one submission).

gnomAD v4.1: 7 of 1,613,740 alleles (0.00043%); highest among the groups gnomAD compares: African/African-American, 0.0013%; no homozygotes.

Submission:

Labcorp Genetics (formerly Invitae), Labcorp
Classification: Uncertain significance. Last evaluated: 2024-12-17. Review status: criteria provided, single submitter. Criteria: Invitae Variant Classification Sherloc (09022015). Collection method: clinical testing. Allele origin: germline.
Comment: This sequence change replaces alanine, which is neutral and non-polar, with valine, which is neutral and non-polar, at codon 1328 of the LAMC3 protein (p.Ala1328Val). This variant is present in population databases (rs770508488, gnomAD 0.002%). This variant has not been reported in the literature in individuals affected with LAMC3-related conditions. An algorithm developed to predict the effect of missense changes on protein structure and function (PolyPhen-2) suggests that this variant is likely to be disruptive. In summary, the available evidence is currently insufficient to determine the role of this variant in disease. Therefore, it has been classified as a Variant of Uncertain Significance.

NM_006059.4(LAMC3):c.3983C>T (p.Ala1328Val)

Gene: LAMC3 (laminin subunit gamma 3; plus strand). Cytogenetic location: 9q34.12.
Variant type: single nucleotide variant.
Coding change: c.3983C>T on transcript NM_006059.4 (MANE Select); coding-DNA position 3983, C replaced by T.
Protein change: p.Ala1328Val; replaces alanine 1328 with valine.
Molecular consequence: missense variant.
Genome position (GRCh38, 1-based): chr9:131,082,114, C>T. VCF-style: chr9-131082114-C-T. GRCh37 (hg19) VCF-style: chr9-133957501-C-T.
Other names: short protein forms A1328V.
Identifiers: ClinVar variation 3615628 (VCV003615628.2).
Genomic context (GRCh38, chr9:131,082,114, plus strand): 5'-TCCAGCTGCACCAGGAGGCCAGAGCCGCCCTGACCCAGGCTTCCTCATCTGTCCAGGCTG[C>T]GACAGTGACTGTCATGGGAGCCAGGACTCTGCTGGCTGATCTGGAAGGTACGTGAGTCCA-3'
Protein context (NP_006050.3, residues 1318-1338): LTQASSSVQA[Ala1328Val]TVTVMGARTL